The following is an entry in ClinVar:

ClinVar aggregate classification (germline): Pathogenic/Likely pathogenic. Review status: criteria provided, multiple submitters, no conflicts (2 of 4 stars). 2 submissions from 2 submitters: Pathogenic (1); Likely pathogenic (1). Last evaluated 2026-02-24.

Conditions:
Isolated microphthalmia 6. Also called: MICROPHTHALMIA, POSTERIOR NONSYNDROMIC. Identifiers: Orphanet 2542, MedGen C3150757, MONDO:0013293, OMIM 613517.

Submissions (2):

Dasa
Classification: Likely pathogenic. Last evaluated: 2026-02-24. Review status: criteria provided, single submitter. Criteria: DASA Assertion Criteria. Collection method: clinical testing. Allele origin: germline.
Comment: NM_001195129.2(PRSS56):c.219del (p.Arg74Glyfs*25) is a frameshift variant in PRSS56 predicted to alter the reading frame and introduce a premature termination codon and is predicted to result in an absent or altered protein product. Loss of function is an established disease mechanism for PRSS56-associated disorders. Also, this variant is rare in population databases. Based on the currently available evidence, this variant is classified as likely pathogenic.

3billion
Classification: Pathogenic for Isolated microphthalmia 6. Last evaluated: 2022-01-03. Review status: criteria provided, single submitter. Criteria: ACMG Guidelines, 2015. Collection method: clinical testing. Allele origin: germline. Affected: yes. Observed: 1 homozygote.
Comment: Frameshift: predicted to result in a loss or disruption of normal protein function through nonsense-mediated decay (NMD) or protein truncation. Multiple pathogenic variants are reported downstream of the variant (PVS1_VS). It is not observed in the gnomAD v2.1.1 dataset (PM2_M). Patient’s phenotype is considered compatible with PRSS56-related disorder (PP4_P). Therefore, this variant is classified as pathogenic according to the recommendation of ACMG/AMP guideline.

NM_001195129.2(PRSS56):c.219del (p.Arg74fs)

Gene: PRSS56 (serine protease 56; plus strand). Cytogenetic location: 2q37.1.
Variant type: Deletion.
Coding change: c.219del on transcript NM_001195129.2 (MANE Select); coding-DNA position 219, one base deleted (C; older notation c.219delC).
Protein change: p.Arg74fs; shifts the reading frame from arginine 74.
Molecular consequence: frameshift variant.
Genome position (GRCh38, 1-based): chr2:232,521,829, C deleted; the last of 4 consecutive C bases (chr2:232,521,826-232,521,829); deleting any one gives the same sequence. VCF-style (leftmost placement, unchanged base first): chr2-232521825-GC-G. GRCh37 (hg19) VCF-style: chr2-233386535-GC-G.
Other names: c.219del, p.Arg74fs (NM_001369848.1); short protein forms R74fs.
Identifiers: ClinVar variation 1333280 (VCV001333280.3), dbSNP rs1218404300, ClinGen allele CA766138676.